The following is an entry in ClinVar:

NM_001267550.2(TTN):c.27350G>C (p.Arg9117Thr)

Gene: TTN (titin; minus strand). Cytogenetic location: 2q31.2.
Variant type: single nucleotide variant.
Coding change: c.27350G>C on transcript NM_001267550.2 (MANE Select); coding-DNA position 27350, G replaced by C.
Protein change: p.Arg9117Thr; replaces arginine 9117 with threonine.
Molecular consequence: missense variant. On other transcripts: intron variant (3).
Genome position (GRCh38, 1-based): chr2:178,712,572, C>G on the plus strand (G>C on the coding strand, the complement: TTN is on the minus strand). VCF-style: chr2-178712572-C-G. GRCh37 (hg19) VCF-style: chr2-179577299-C-G.
Other names: c.26399G>C, p.Arg8800Thr (NM_001256850.1); c.23618G>C, p.Arg7873Thr (NM_133378.4); c.13282+25510G>C (NM_003319.4); c.13858+25510G>C (NM_133437.4); c.13657+25510G>C (NM_133432.3); short protein forms R9117T, R7873T, R8800T.
Identifiers: ClinVar variation 535448 (VCV000535448.20), dbSNP rs375907742, ClinGen allele CA1999819.
Genomic context (GRCh38, chr2:178,712,572, plus strand): 5'-CCAGTGAATGTACCCTCTAGGATCAGGGGTTTTCCTTTCTCTATGCTGTAATCATTCAGC[C>G]TCTTCACAAATTTGGCTGGGGCTAAAGTGACCAAATTGAAAATATAAAATCAAACACATA-3'
Protein context (NP_001254479.2, residues 9107-9127): YIKAPAKFVK[Arg9117Thr]LNDYSIEKGK

ClinVar aggregate classification (germline): Conflicting classifications of pathogenicity. Review status: criteria provided, conflicting classifications (1 of 4 stars). 6 submissions from 6 submitters: Uncertain significance (4); Likely benign (2). Last evaluated 2025-11-01.

Conditions:
Hypertrophic cardiomyopathy. Also called: HYPERTROPHIC MYOCARDIOPATHY. Identifiers: Orphanet 217569, MedGen C0007194, MeSH D002312, MONDO:0005045, HP:0001639.
Dilated cardiomyopathy 1G (CMD1G). Identifiers: Orphanet 154, MedGen C1858763, MONDO:0011400, OMIM 604145.
Autosomal recessive limb-girdle muscular dystrophy type 2J (LGMDR10). Also called: Limb-girdle muscular dystrophy, type 2J; MUSCULAR DYSTROPHY, LIMB-GIRDLE, AUTOSOMAL RECESSIVE 10. Identifiers: Orphanet 140922, MedGen C1837342, MONDO:0012127, OMIM 608807.

Allele frequency attached by ClinVar (database versions not stated): gnomAD 0.00003; TOPMed 0.00003; ESP Exome Variant Server 0.00008.
gnomAD v4.1: 36 of 1,612,370 alleles (0.0022%); highest among the groups gnomAD compares: Admixed American, 0.033%; no homozygotes.

Submissions (6):

CeGaT Center for Human Genetics Tuebingen
Classification: Uncertain significance. Last evaluated: 2025-11-01. Review status: criteria provided, single submitter. Criteria: CeGaT Center For Human Genetics Tuebingen Variant Classification Criteria Version 2. Collection method: clinical testing. Allele origin: germline. Affected: yes. Observed: 1 variant allele.
Comment: TTN: PM2:Supporting, BP4

GeneDx
Classification: Likely benign. Last evaluated: 2020-09-10. Review status: criteria provided, single submitter. Criteria: GeneDx Variant Classification Process June 2021. Collection method: clinical testing. Allele origin: germline. Affected: yes.

Revvity Omics, Revvity
Classification: Uncertain significance. Last evaluated: 2019-12-19. Review status: criteria provided, single submitter. Criteria: ACMG Guidelines, 2015. Collection method: clinical testing. Allele origin: germline.

Labcorp Genetics (formerly Invitae), Labcorp
Classification: Uncertain significance for Dilated cardiomyopathy 1G; Autosomal recessive limb-girdle muscular dystrophy type 2J. Last evaluated: 2017-12-21. Review status: criteria provided, single submitter. Criteria: Invitae Variant Classification Sherloc (09022015). Collection method: clinical testing. Allele origin: germline.

Center for Advanced Laboratory Medicine, UC San Diego Health, University of California San Diego
Classification: Likely benign for Hypertrophic cardiomyopathy. Last evaluated: 2017-10-05. Review status: criteria provided, single submitter. Criteria: ACMG Guidelines, 2015. Collection method: clinical testing. Allele origin: germline. Affected: yes. Observed: 1 variant allele.

Eurofins Ntd Llc (ga)
Classification: Uncertain significance. Last evaluated: 2017-10-02. Review status: criteria provided, single submitter. Criteria: EGL Classification Definitions 2015. Collection method: clinical testing. Allele origin: germline. Observed: 2 variant alleles, 2 heterozygotes.